The following is an entry in ClinVar:

ClinVar aggregate classification (germline): Uncertain significance (1 of 4 stars; one submission).

Submission:

Ambry Genetics
Classification: Uncertain significance. Last evaluated: 2023-11-02. Review status: criteria provided, single submitter. Criteria: Ambry Variant Classification Scheme 2023. Collection method: clinical testing. Allele origin: germline.
Comment: The c.140_141insCAGGGC variant (also known as p.A47_A48insRA), located in coding exon 1 of the GALNT12 gene, results from an in-frame CAGGGC insertion at nucleotide positions 140 to 141. This results in the insertion of an extra arginine and alanine residue between codons 47 and 48. This amino acid region is poorly conserved in available vertebrate species. In addition, this alteration is predicted to be neutral by in silico analysis (Choi Y et al. PLoS ONE. 2012; 7(10):e46688). The evidence for this gene-disease relationship is limited; therefore, the clinical significance of this alteration is unclear.

NM_024642.5(GALNT12):c.140_141insCAGGGC (p.Ala47_Ala48insArgAla)

Gene: GALNT12 (polypeptide N-acetylgalactosaminyltransferase 12; plus strand). Cytogenetic location: 9q22.33.
Variant type: Insertion.
Coding change: c.140_141insCAGGGC on transcript NM_024642.5 (MANE Select); coding-DNA positions 140 to 141, CAGGGC inserted.
Protein change: p.Ala47_Ala48insArgAla.
Molecular consequence: inframe insertion.
Genome position: GRCh38 VCF-style: chr9-98807834-G-GGGGCCA. GRCh37 (hg19) VCF-style: chr9-101570116-G-GGGGCCA.
Identifiers: ClinVar variation 3227918 (VCV003227918.1), dbSNP rs2490455321, ClinGen allele CA2600646834.
Genomic context (GRCh38, chr9:98,807,834, plus strand): 5'-GCGCTACTGGCGTTGGCCGGGCTGGGCTCGGTGCTGCGGGCGCAGCGTGGGGCCGGGGCC[G>GGGGCCA]GGGCTGCCGAGCCGGGACCCCCGCGCACCCCGCGCCCCGGGCGGCGCGAGCCGGTCATGC-3'